The following is an entry in ClinVar:

ClinVar aggregate classification (germline): Pathogenic/Likely pathogenic. Review status: criteria provided, multiple submitters, no conflicts (2 of 4 stars). 6 submissions from 6 submitters: Pathogenic (4); Likely pathogenic (1). 1 of the submissions does not count toward it. Last evaluated 2025-05-10.

Conditions:
Pyruvate dehydrogenase E1-alpha deficiency (PDHAD). Also called: ATAXIA, INTERMITTENT, WITH PYRUVATE DEHYDROGENASE DEFICIENCY; ATAXIA WITH LACTIC ACIDOSIS I; ATAXIA, INTERMITTENT, WITH ABNORMAL PYRUVATE METABOLISM; Ataxia, intermittent, with pyruvate dehydrogenase, or decarboxylase, deficiency. Identifiers: Orphanet 79243, MedGen C1839413, MONDO:0010717, OMIM 312170.

Submissions (6):

GeneDx
Classification: Pathogenic. Last evaluated: 2025-05-10. Review status: criteria provided, single submitter. Criteria: GeneDx Variant Classification Process June 2021. Collection method: clinical testing. Allele origin: germline. Affected: yes.
Comment: Not observed at significant frequency in large population cohorts (gnomAD); In silico analysis supports that this missense variant has a deleterious effect on protein structure/function; This variant is associated with the following publications: (PMID: 10679936, 18398624, 21914562, 9671272, 25525159, 33092611, 18197404, 38759022)

Revvity Omics, Revvity
Classification: Likely pathogenic for Pyruvate dehydrogenase E1-alpha deficiency. Last evaluated: 2023-11-09. Review status: criteria provided, single submitter. Criteria: ACMG Guidelines, 2015. Collection method: clinical testing. Allele origin: germline.

MGZ Medical Genetics Center
Classification: Pathogenic for Pyruvate dehydrogenase E1-alpha deficiency. Last evaluated: 2022-03-11. Review status: criteria provided, single submitter. Criteria: ACMG Guidelines, 2015. Collection method: clinical testing. Allele origin: germline. Affected: yes. Observed: 1 variant allele.
Comment: ACMG criteria applied: PS4, PM1, PM5, PM2_SUP, PP3

Dasa
Classification: Pathogenic for Pyruvate dehydrogenase E1-alpha deficiency. Last evaluated: 2022-01-05. Review status: criteria provided, single submitter. Criteria: ACMG Guidelines, 2015. Collection method: clinical testing. Allele origin: germline. Affected: yes. Observed: 1 variant allele.
Comment: The c.905G>A;p.(Arg302His) missense variant has been observed in affected individual(s) and ClinVar contains an entry for this variant (ClinVar ID: 419850; PMID: 9671272; 18197404; 21914562) - PS4.The variant is located in a mutational hot spot and/or critical and well-established functional domain (E1_dh) - PM1. This variant is not present in population databases (rs1064794149, gnomAD; ABraOM no frequency) - PM2. Pathogenic missense variant in this residue have been reported (ClinVar ID: 10879) - PM5. In summary, the currently available evidence indicates that the variant is pathogenic.

Labcorp Genetics (formerly Invitae), Labcorp
Classification: Pathogenic for Pyruvate dehydrogenase E1-alpha deficiency. Last evaluated: 2019-06-24. Review status: criteria provided, single submitter. Criteria: Invitae Variant Classification Sherloc (09022015). Collection method: clinical testing. Allele origin: germline.
Comment: This sequence change replaces arginine with histidine at codon 302 of the PDHA1 protein (p.Arg302His). The arginine residue is highly conserved and there is a small physicochemical difference between arginine and histidine. This variant is not present in population databases (ExAC no frequency). This variant has been observed in several individuals with clinical features of PDH complex deficiency (PMID: 9671272, 18197404, 21914562, Invitae). ClinVar contains an entry for this variant (Variation ID: 419850). Algorithms developed to predict the effect of missense changes on protein structure and function are either unavailable or do not agree on the potential impact of this missense change (SIFT: "Deleterious"; PolyPhen-2: "Benign"; Align-GVGD: "Class C0"). This variant disrupts the p.Arg302 amino acid residue in PDHA1. Other variant(s) that disrupt this residue have been determined to be pathogenic (PMID: 20002461, 1293379, 26865159, 21846590, 9671272, ). This suggests that this residue is clinically significant, and that variants that disrupt this residue are likely to be disease-causing. For these reasons, this variant has been classified as Pathogenic.

PDHA1 Study Group, University Children’s Hospital, Paracelsus Medical University
Classification: Pathogenic for Pyruvate dehydrogenase E1-alpha deficiency. Last evaluated: 2024-10-15. Review status: no assertion criteria provided. Collection method: research. Allele origin: de novo. Affected: yes. Observed: 11 variant alleles. Not counted in ClinVar's aggregate classification.
Comment: The NM_000284.3:c.905G>A (p.Arg302His) substitution is a missense variant in the PDHA1 gene. This variant is absent or extremely rare in population-based cohorts in the Genome Aggregation Database (gnomAD). In total, 11 individuals diagnosed with PDHA1-related pyruvate dehydrogenase complex (PDHc) deficiency (MIM #312170) harbor this variant, including 3 males and 8 females. Among these, 3 cases have confirmed de novo occurrence, and 2 are confirmed inherited. The variant is reported in 7 published cases (PMIDs: 18197404, 9671272, 10679936, 21914562, 28918066, 33092611, 38549004, 38759022, 23021068), with an additional 4 unpublished cases from internal data. The last literature search is conducted on July 12, 2024. Individuals present with clinical features compatible with PDHA1-related PDHc deficiency. Based on the ACMG/AMP criteria applied (PS3, PM1, PM2, PM7, PP3), this variant is classified as pathogenic (P) (last assessment October 15, 2024).

Literature cited by the submitters: PubMed 9671272 (cited by 3 submitters); PubMed 18197404 (cited by 3 submitters); PubMed 21914562 (cited by 3 submitters); PubMed 29882371 (cited by Dasa); PubMed 26987331 (cited by Dasa); PubMed 21846590 (cited by Labcorp Genetics (formerly Invitae), Labcorp); PubMed 26865159 (cited by Labcorp Genetics (formerly Invitae), Labcorp); PubMed 1293379 (cited by Labcorp Genetics (formerly Invitae), Labcorp); PubMed 20002461 (cited by Labcorp Genetics (formerly Invitae), Labcorp); PubMed 10679936 (cited by PDHA1 Study Group, University Children’s Hospital, Paracelsus Medical University); PubMed 28918066 (cited by PDHA1 Study Group, University Children’s Hospital, Paracelsus Medical University); PubMed 33092611 (cited by PDHA1 Study Group, University Children’s Hospital, Paracelsus Medical University); PubMed 38549004 (cited by PDHA1 Study Group, University Children’s Hospital, Paracelsus Medical University); PubMed 38759022 (cited by PDHA1 Study Group, University Children’s Hospital, Paracelsus Medical University); PubMed 23021068 (cited by PDHA1 Study Group, University Children’s Hospital, Paracelsus Medical University); DOI 10.1093/brain/awaf430 (cited by PDHA1 Study Group, University Children’s Hospital, Paracelsus Medical University).

NM_000284.4(PDHA1):c.905G>A (p.Arg302His)

Gene: PDHA1 (pyruvate dehydrogenase E1 subunit alpha 1; plus strand). Cytogenetic location: Xp22.12.
Variant type: single nucleotide variant.
Coding change: c.905G>A on transcript NM_000284.4 (MANE Select); coding-DNA position 905, G replaced by A.
Protein change: p.Arg302His; replaces arginine 302 with histidine.
Molecular consequence: missense variant.
Genome position (GRCh38, 1-based): chrX:19,358,921, G>A. VCF-style: chrX-19358921-G-A. GRCh37 (hg19) VCF-style: chrX-19377039-G-A.
Other names: c.1019G>A, p.Arg340His (NM_001173454.2); c.926G>A, p.Arg309His (NM_001173455.2); c.812G>A, p.Arg271His (NM_001173456.2); short protein forms R302H, R340H, R271H, R309H.
Identifiers: ClinVar variation 419850 (VCV000419850.11), dbSNP rs1064794149, ClinGen allele CA16621292.
Genomic context (GRCh38, chrX:19,358,921, plus strand): 5'-CTTGCTCTACTGGAACTGCTCTTACTGATCGATTACTACTTTTCCCTCCCCATAGTTACC[G>A]TACACGAGAAGAAATTCAGGAAGTAAGAAGTAAGAGTGACCCTATTATGCTTCTCAAGGA-3'
Protein context (NP_000275.1, residues 292-312): HSMSDPGVSY[Arg302His]TREEIQEVRS